The following is an entry in ClinVar:

ClinVar aggregate classification (germline): Pathogenic (1 of 4 stars; one submission).

Conditions:
Developmental and epileptic encephalopathy, 54. Also called: Epileptic encephalopathy, early infantile, 54; HNRNPU-Related Neurodevelopmental Disorder. Identifiers: MedGen C4479319, MONDO:0033363, OMIM 617391.

Submission:

Women's Health and Genetics/Laboratory Corporation of America, LabCorp
Classification: Pathogenic for Developmental and epileptic encephalopathy, 54. Last evaluated: 2023-07-21. Review status: criteria provided, single submitter. Criteria: LabCorp Variant Classification Summary - May 2015. Collection method: clinical testing. Allele origin: germline.
Comment: Variant summary: HNRNPU c.1765delC (p.Gln589ArgfsX17) results in a premature termination codon, predicted to cause a truncation of the encoded protein or absence of the protein due to nonsense mediated decay, which are commonly known mechanisms for disease. The variant was absent in 250352 control chromosomes (gnomAD). To our knowledge, no occurrence of c.1765delC in individuals affected with Developmental And Epileptic Encephalopathy, 54 and no experimental evidence demonstrating its impact on protein function have been reported. No submitters have cited clinical-significance assessments for this variant to ClinVar after 2014. Based on the evidence outlined above, the variant was classified as pathogenic.

NM_031844.3(HNRNPU):c.1765del (p.Gln589fs)

Gene: HNRNPU (heterogeneous nuclear ribonucleoprotein U; minus strand). Cytogenetic location: 1q44.
Variant type: Deletion.
Coding change: c.1765del on transcript NM_031844.3 (MANE Select); coding-DNA position 1765, one base deleted (C; older notation c.1765delC).
Protein change: p.Gln589fs; shifts the reading frame from glutamine 589.
Molecular consequence: frameshift variant.
Genome position (GRCh38, 1-based): chr1:244,856,604, G deleted on the plus strand (C on the coding strand, the reverse complement: HNRNPU is on the minus strand); the first of 3 consecutive G bases (chr1:244,856,604-244,856,606); deleting any one gives the same sequence. VCF-style (leftmost placement, unchanged base first): chr1-244856603-TG-T. GRCh37 (hg19) VCF-style: chr1-245019905-TG-T.
Other names: c.1708del, p.Gln570fs (NM_004501.3); short protein forms Q570fs, Q589fs.
Identifiers: ClinVar variation 2577166 (VCV002577166.1), dbSNP rs2527505715, ClinGen allele CA2580612550.
Genomic context (GRCh38, chr1:244,856,603, plus strand): 5'-TTTGGGCAAACTACAACAGCTTTTCGCTGGAAGCCTGCAAACAGGCACATTTTTCTCCTC[TG>T]GGCAGCAGCAGACACATTTGTCTTTAAAAAAAGAAATTTATGTTTACAACCCTAAACATT-3'